The following is an entry in ClinVar:

NM_001111125.3(IQSEC2):c.3806C>T (p.Ala1269Val)

Gene: IQSEC2 (IQ motif and Sec7 domain ArfGEF 2; minus strand). Cytogenetic location: Xp11.22.
Variant type: single nucleotide variant.
Coding change: c.3806C>T on transcript NM_001111125.3 (MANE Select); coding-DNA position 3806, C replaced by T.
Protein change: p.Ala1269Val; replaces alanine 1269 with valine.
Molecular consequence: missense variant. On other transcripts: 3 prime UTR variant (4), intron variant (2).
Genome position (GRCh38, 1-based): chrX:53,234,880, G>A on the plus strand (C>T on the coding strand, the complement: IQSEC2 is on the minus strand). VCF-style: chrX-53234880-G-A. GRCh37 (hg19) VCF-style: chrX-53264062-G-A.
Other names: c.*291C>T (NM_001410736.1, NM_001441093.1, NM_001441094.1 and 1 more transcripts); c.3451+1442C>T (NM_001441092.1); c.2740+1442C>T (NM_001441095.1); short protein forms A1269V.
Identifiers: ClinVar variation 4773753 (VCV004773753.1).

ClinVar aggregate classification (germline): Uncertain significance (1 of 4 stars; one submission).

Conditions:
Intellectual developmental disorder, X-linked 1. Also called: Atkin Flaitz Patil Smith syndrome; MENTAL RETARDATION, X-LINKED 18; MENTAL RETARDATION, X-LINKED 78; Intellectual disability, X-linked 1. Identifiers: Orphanet 777, MedGen C2931498, MONDO:0010656, OMIM 309530.

Submission:

Labcorp Genetics (formerly Invitae), Labcorp
Classification: Uncertain significance for Intellectual developmental disorder, X-linked 1. Last evaluated: 2025-03-22. Review status: criteria provided, single submitter. Criteria: Invitae Variant Classification Sherloc (09022015). Collection method: clinical testing. Allele origin: germline.
Comment: This sequence change replaces alanine, which is neutral and non-polar, with valine, which is neutral and non-polar, at codon 1269 of the IQSEC2 protein (p.Ala1269Val). This variant is not present in population databases (gnomAD no frequency). This variant has not been reported in the literature in individuals affected with IQSEC2-related conditions. Invitae Evidence Modeling of protein sequence and biophysical properties (such as structural, functional, and spatial information, amino acid conservation, physicochemical variation, residue mobility, and thermodynamic stability) indicates that this missense variant is not expected to disrupt IQSEC2 protein function with a negative predictive value of 95%. In summary, the available evidence is currently insufficient to determine the role of this variant in disease. Therefore, it has been classified as a Variant of Uncertain Significance.